The following is an entry in ClinVar:

ClinVar aggregate classification (germline): Uncertain significance (1 of 4 stars; one submission).

Conditions:
Familial adenomatous polyposis 1 (FAP1). Also called: POLYPOSIS, ADENOMATOUS INTESTINAL; FAMILIAL ADENOMATOUS POLYPOSIS 1, ATTENUATED. Identifiers: MedGen C2713442, MONDO:0021056, OMIM 175100. Disease mechanism: loss of function.

Allele frequency attached by ClinVar (database versions not stated): gnomAD exomes below 0.00001 and 0.00001; ExAC 0.00001.

Submission:

Labcorp Genetics (formerly Invitae), Labcorp
Classification: Uncertain significance for Familial adenomatous polyposis 1. Last evaluated: 2017-05-11. Review status: criteria provided, single submitter. Criteria: Invitae Variant Classification Sherloc (09022015). Collection method: clinical testing. Allele origin: germline.
Comment: This sequence change deletes 3 nucleotides from exon 16 of the APC mRNA (c.2939_2941delAAC). This leads to the deletion of 2 amino acid residues and the insertion of 1 unrelated amino acid in the APC protein (p.Lys980_Pro981delinsThr) but otherwise preserves the integrity of the reading frame. In summary, this is a rare complex change with uncertain impact on protein function. It has been classified as a Variant of Uncertain Significance. Experimental studies and prediction algorithms are not available for this variant, and the functional significance of the deleted and inserted amino acids is currently unknown. This variant is present in population databases (rs772573597, ExAC 0.009%) but has not been reported in the literature in individuals with a APC-related disease.

NM_000038.6(APC):c.2939_2941del (p.Lys980_Pro981delinsThr)

Gene: APC (APC regulator of Wnt signaling pathway; plus strand). Cytogenetic location: 5q22.2.
Variant type: Deletion.
Coding change: c.2939_2941del on transcript NM_000038.6 (MANE Select); coding-DNA positions 2939 to 2941, 3 bases deleted (AAC; older notation c.2939_2941delAAC).
Protein change: p.Lys980_Pro981delinsThr.
Molecular consequence: inframe indel.
Genome position (GRCh38, 1-based): chr5:112,838,533-112,838,535, AAC deleted. VCF-style (leftmost placement, unchanged base first): chr5-112838532-AAAC-A. GRCh37 (hg19) VCF-style: chr5-112174229-AAAC-A.
Other names: c.2939_2941del, p.Lys980_Pro981delinsThr (NM_001127510.3, NM_001354895.2); c.2885_2887del, p.Lys962_Pro963delinsThr (NM_001127511.3); c.2993_2995del, p.Lys998_Pro999delinsThr (NM_001354896.2); c.2969_2971del, p.Lys990_Pro991delinsThr (NM_001354897.2); c.2864_2866del, p.Lys955_Pro956delinsThr (NM_001354898.2); c.2855_2857del, p.Lys952_Pro953delinsThr (NM_001354899.2); c.2816_2818del, p.Lys939_Pro940delinsThr (NM_001354900.2); c.2762_2764del, p.Lys921_Pro922delinsThr (NM_001354901.2); and 5 more.
Identifiers: ClinVar variation 469781 (VCV000469781.8), dbSNP rs772573597, ClinGen allele CA034007.
Genomic context (GRCh38, chr5:112,838,532, plus strand): 5'-TCAAATGATAGTTTAAATAGTGTCAGTAGTAGTGATGGTTATGGTAAAAGAGGTCAAATG[AAAC>A]CCTCGATTGAATCCTATTCTGAAGATGATGAAAGTAAGTTTTGCAGTTATGGTCAATACC-3'